The following is an entry in ClinVar:

NM_001040616.3(LINS1):c.1826C>G (p.Ala609Gly)

Gene: LINS1 (lines homolog 1; minus strand). Cytogenetic location: 15q26.3.
Variant type: single nucleotide variant.
Coding change: c.1826C>G on transcript NM_001040616.3 (MANE Select); coding-DNA position 1826, C replaced by G.
Protein change: p.Ala609Gly; replaces alanine 609 with glycine.
Molecular consequence: missense variant. On other transcripts: non-coding transcript variant (3).
Genome position (GRCh38, 1-based): chr15:100,569,686, G>C on the plus strand (C>G on the coding strand, the complement: LINS1 is on the minus strand). VCF-style: chr15-100569686-G-C. GRCh37 (hg19) VCF-style: chr15-101109891-G-C.
Other names: c.1079C>G, p.Ala360Gly (NM_001352507.2); c.1673C>G, p.Ala558Gly (NM_001352508.2); short protein forms A360G, A609G, A558G.
Identifiers: ClinVar variation 1031761 (VCV001031761.1), dbSNP rs1596871384, ClinGen allele CA393945749.

ClinVar aggregate classification (germline): Uncertain significance (1 of 4 stars; one submission).

Conditions:
Intellectual developmental disorder, autosomal recessive 27. Also called: Mental retardation, autosomal recessive 27; Intellectual disability, autosomal recessive 27. Identifiers: Orphanet 88616, MedGen C3280538, MONDO:0013702, OMIM 614340.

Submission:

Baylor Genetics
Classification: Uncertain significance for Intellectual developmental disorder, autosomal recessive 27. Last evaluated: 2018-02-09. Review status: criteria provided, single submitter. Criteria: ACMG Guidelines, 2015. Collection method: clinical testing. Allele origin: unknown. Affected: yes.
Comment: This variant was determined to be of uncertain significance according to ACMG Guidelines, 2015 [PMID:25741868].